The following is an entry in ClinVar:

ClinVar aggregate classification (germline): Uncertain significance (1 of 4 stars; one submission).

Submission:

Labcorp Genetics (formerly Invitae), Labcorp
Classification: Uncertain significance. Last evaluated: 2025-07-30. Review status: criteria provided, single submitter. Criteria: Invitae Variant Classification Sherloc (09022015). Collection method: clinical testing. Allele origin: germline.
Comment: This sequence change replaces serine, which is neutral and polar, with glycine, which is neutral and non-polar, at codon 96 of the ZNF513 protein (p.Ser96Gly). This variant is not present in population databases (gnomAD no frequency). This variant has not been reported in the literature in individuals affected with ZNF513-related conditions. An algorithm developed to predict the effect of missense changes on protein structure and function (PolyPhen-2) suggests that this variant is likely to be tolerated. Algorithms developed to predict the effect of sequence changes on RNA splicing suggest that this variant may create or strengthen a splice site. In summary, the available evidence is currently insufficient to determine the role of this variant in disease. Therefore, it has been classified as a Variant of Uncertain Significance.

NM_144631.6(ZNF513):c.286A>G (p.Ser96Gly)

Gene: ZNF513 (zinc finger protein 513; minus strand). Cytogenetic location: 2p23.3.
Variant type: single nucleotide variant.
Coding change: c.286A>G on transcript NM_144631.6 (MANE Select); coding-DNA position 286, A replaced by G.
Protein change: p.Ser96Gly; replaces serine 96 with glycine.
Molecular consequence: missense variant.
Genome position (GRCh38, 1-based): chr2:27,378,980, T>C on the plus strand (A>G on the coding strand, the complement: ZNF513 is on the minus strand). VCF-style: chr2-27378980-T-C. GRCh37 (hg19) VCF-style: chr2-27601847-T-C.
Other names: c.100A>G, p.Ser34Gly (NM_001201459.2); short protein forms S34G, S96G.
Identifiers: ClinVar variation 4805704 (VCV004805704.1).